The following is an entry in ClinVar:

ClinVar aggregate classification (germline): Uncertain significance (1 of 4 stars; one submission).

Conditions:
Hereditary cancer-predisposing syndrome. Also called: Tumor predisposition; Hereditary Cancer Syndrome; Hereditary neoplastic syndrome; Neoplastic Syndromes, Hereditary. Identifiers: Orphanet 140162, MedGen C0027672, MeSH D009386, MONDO:0015356.

gnomAD v4.1: 1 of 1,613,236 alleles (0.000062%); no homozygotes.

Submission:

Ambry Genetics
Classification: Uncertain significance for Hereditary cancer-predisposing syndrome. Last evaluated: 2024-03-21. Review status: criteria provided, single submitter. Criteria: Ambry Variant Classification Scheme 2023. Collection method: clinical testing. Allele origin: germline.
Comment: The p.V1386I variant (also known as c.4156G>A), located in coding exon 21 of the DICER1 gene, results from a G to A substitution at nucleotide position 4156. The valine at codon 1386 is replaced by isoleucine, an amino acid with highly similar properties. This amino acid position is conserved. In addition, this alteration is predicted to be tolerated by in silico analysis. Based on the available evidence, the clinical significance of this alteration remains unclear.

NM_177438.3(DICER1):c.4156G>A (p.Val1386Ile)

Gene: DICER1 (dicer 1, ribonuclease III; minus strand). Cytogenetic location: 14q32.13.
Variant type: single nucleotide variant.
Coding change: c.4156G>A on transcript NM_177438.3 (MANE Select); coding-DNA position 4156, G replaced by A.
Protein change: p.Val1386Ile; replaces valine 1386 with isoleucine.
Molecular consequence: missense variant. On other transcripts: non-coding transcript variant (6).
Genome position (GRCh38, 1-based): chr14:95,099,830, C>T on the plus strand (G>A on the coding strand, the complement: DICER1 is on the minus strand). VCF-style: chr14-95099830-C-T. GRCh37 (hg19) VCF-style: chr14-95566167-C-T.
Other names: c.4156G>A, p.Val1386Ile (NM_001395680.1, NM_001395682.1, NM_001395683.1 and 12 more transcripts); c.3874G>A, p.Val1292Ile (NM_001395686.1); c.3751G>A, p.Val1251Ile (NM_001395687.1, NM_001395688.1, NM_001395689.1 and 2 more transcripts); c.3589G>A, p.Val1197Ile (NM_001395691.1); c.2473G>A, p.Val825Ile (NM_001395697.1); short protein forms V1292I, V1251I, V1197I, V1386I, V825I.
Identifiers: ClinVar variation 3271967 (VCV003271967.1).
Genomic context (GRCh38, chr14:95,099,830, plus strand): 5'-ACAAACTTACCATTTCATCTTTTTCCCATTTATCTGTGTTGCTTTTGTCTTGATTTACTA[C>T]ATAACCAGGAGGAAGCCAATTCACAGGGGGATCAAATATTGACACCACCATGCGGCTGGG-3'
Protein context (NP_803187.1, residues 1376-1396): PPVNWLPPGY[Val1386Ile]VNQDKSNTDK